The following is an entry in ClinVar:

ClinVar aggregate classification (germline): Pathogenic (0 of 4 stars; one submission).

Conditions:
Intellectual disability. Also called: Intellectual functioning disability; intellectual disabilities; Intellectual developmental disorder. Identifiers: MedGen C3714756, MeSH D008607, MONDO:0001071, HP:0001249.

Submission:

Institute of Human Genetics, University of Leipzig Medical Center
Classification: Pathogenic for Intellectual disability. Last evaluated: 2021-03-04. Review status: no assertion criteria provided. Collection method: clinical testing. Allele origin: unknown. Affected: yes.
Comment: Inheritance was not applicable (heterozygous). The variant was reviewed according to current ClinGen recommendations and classified as Pathogenic (criteria: 1A(0), 2A(1), 3C(0.9), 4E(0.1), 5F(0), Total score=2).

der(6)t(6;7)(p25.3;q32.3)

Variant type: Translocation.
Identifiers: ClinVar variation 1012367 (VCV001012367.1).